The following is an entry in ClinVar:

ClinVar aggregate classification (germline): Benign. Review status: criteria provided, multiple submitters, no conflicts (2 of 4 stars). 3 submissions from 3 submitters: Benign (3). Last evaluated 2024-11-20.

Conditions:
SEPTIN9-related disorder. Also called: SEPTIN9-related condition.

Allele frequency attached by ClinVar (database versions not stated): gnomAD exomes 0.01783; ExAC 0.02107; gnomAD 0.06587 and 0.07044; ESP Exome Variant Server 0.07146; 1000 Genomes Project 0.07728; 1000 Genomes Project 30x 0.08042.
gnomAD v4.1: 21,026 of 1,613,636 alleles (1.3%); highest among the groups gnomAD compares: African/African-American, 23%; 2,020 homozygotes.

Submissions (3):

PreventionGenetics, part of Exact Sciences
Classification: Benign for SEPTIN9-related condition. Last evaluated: 2024-11-20. Review status: criteria provided, single submitter. Criteria: ACMG Guidelines, 2015. Collection method: clinical testing. Allele origin: germline.
Comment: This variant is classified as benign based on ACMG/AMP sequence variant interpretation guidelines (Richards et al. 2015 PMID: 25741868, with internal and published modifications).

GeneDx
Classification: Benign. Last evaluated: 2018-07-06. Review status: criteria provided, single submitter. Criteria: GeneDx Variant Classification Process June 2021. Collection method: clinical testing. Allele origin: germline. Affected: yes.

Breakthrough Genomics
Classification: Benign. Review status: criteria provided, single submitter. Criteria: ACMG Guidelines, 2015. Collection method: not provided. Allele origin: germline. Inheritance: Autosomal dominant inheritance. Affected: yes.

NM_001113491.2(SEPTIN9):c.722-6464G>A

Gene: SEPTIN9 (septin 9; plus strand). Cytogenetic location: 17q25.3.
Variant type: single nucleotide variant.
Coding change: c.722-6464G>A on transcript NM_001113491.2 (MANE Select); 6464 bases into the intron before coding-DNA position 722, G replaced by A.
Molecular consequence: intron variant. On other transcripts: 5 prime UTR variant (1).
Genome position (GRCh38, 1-based): chr17:77,475,680, G>A. VCF-style: chr17-77475680-G-A. GRCh37 (hg19) VCF-style: chr17-75471762-G-A.
Other names: c.-256G>A (NM_001113495.2); c.665-6464G>A (NM_001293695.2); c.230-6464G>A (NM_001113492.2, NM_001113494.1); c.668-6464G>A (NM_006640.5); c.701-6464G>A (NM_001113493.2); c.50-6464G>A (NM_001293696.2); c.-32-6464G>A (NM_001113496.2, NM_001293697.2, NM_001293698.2); c.162G>A (NM_001113495.1).
Identifiers: ClinVar variation 1263738 (VCV001263738.4), dbSNP rs312821, ClinGen allele CA8793433.